The following is an entry in ClinVar:

NM_003640.5(ELP1):c.1775_1780del (p.Pro592_Lys594delinsGln)

Gene: ELP1 (elongator acetyltransferase complex subunit 1; minus strand). Cytogenetic location: 9q31.3.
Variant type: Deletion.
Coding change: c.1775_1780del on transcript NM_003640.5 (MANE Select); coding-DNA positions 1775 to 1780, 6 bases deleted (CATGGA; older notation c.1775_1780delCATGGA).
Protein change: p.Pro592_Lys594delinsGln.
Molecular consequence: inframe indel.
Genome position (GRCh38, 1-based): chr9:108,902,913-108,902,918, TCCATG deleted on the plus strand (CATGGA on the coding strand, the reverse complement: ELP1 is on the minus strand). VCF-style (leftmost placement, unchanged base first): chr9-108902912-TTCCATG-T. GRCh37 (hg19) VCF-style: chr9-111665192-TTCCATG-T.
Other names: c.1775_1780del (LRG_251t1); c.1433_1438del, p.Pro478_Lys480delinsGln (NM_001318360.2); c.728_733del, p.Pro243_Lys245delinsGln (NM_001330749.2).
Identifiers: ClinVar variation 552456 (VCV000552456.8), dbSNP rs749959888, ClinGen allele CA5174902.
Genomic context (GRCh38, chr9:108,902,912, plus strand): 5'-ATGGCCAATTCGGTCTGGGTGCATGGATAAGGAAACCGAACAGGAAATCCACCAGAGTTC[TTCCATG>T]GTTTAATAGCCAGAGAAGGTGACTCTGCAAGATTCACAGATCTAGTTCACAAATAGCTGA-3'

ClinVar aggregate classification (germline): Uncertain significance. Review status: criteria provided, multiple submitters, no conflicts (2 of 4 stars). 4 submissions from 4 submitters: Uncertain significance (3). 1 of the submissions does not count toward it. Last evaluated 2026-02-11.

Conditions:
Medulloblastoma (MDB). Also called: MEDULLOBLASTOMA PREDISPOSITION SYNDROME; Medulloblastoma, somatic. Identifiers: Orphanet 616, MedGen C0025149, MeSH D008527, MONDO:0007959, OMIM 155255, HP:0002885.
Familial dysautonomia. Also called: FD; HSAN III. Identifiers: Orphanet 1764, MedGen C0013364, MONDO:0009131, OMIM 223900. Disease mechanism: loss of function.

Allele frequency attached by ClinVar (database versions not stated): gnomAD exomes below 0.00001 and 0.00001; ExAC 0.00001; TOPMed 0.00003; gnomAD 0.00004.

Submissions (4):

St. Jude Molecular Pathology, St. Jude Children's Research Hospital
Classification: Uncertain significance for Medulloblastoma. Last evaluated: 2026-02-11. Review status: criteria provided, single submitter. Criteria: St. Jude Assertion Criteria 2020. Collection method: clinical testing. Allele origin: germline.
Comment: The ELP1 c.1775_1780del p.(Pro592_Lys594delinsGln) change results from the deletion of six nucleotides, replacing 3 amino acids with 1 different amino acid. This variant has a maximum subpopulation frequency of 0.01% in gnomAD v2.1.1. To our knowledge, this variant has not been reported in individuals with medulloblastoma or familial dysautonomia. In summary, the evidence currently available is insufficient to determine the clinical significance of this variant. It has therefore been classified as of uncertain significance.

Labcorp Genetics (formerly Invitae), Labcorp
Classification: Uncertain significance. Last evaluated: 2025-02-26. Review status: criteria provided, single submitter. Criteria: Invitae Variant Classification Sherloc (09022015). Collection method: clinical testing. Allele origin: germline.
Comment: This variant, c.1775_1780del, is a complex sequence change that results in the deletion of 3 and insertion of 1 amino acid(s) in the ELP1 protein (p.Pro592_Lys594delinsGln). This variant is present in population databases (rs749959888, gnomAD 0.01%). This variant has not been reported in the literature in individuals affected with ELP1-related conditions. ClinVar contains an entry for this variant (Variation ID: 552456). Experimental studies and prediction algorithms are not available or were not evaluated, and the functional significance of this variant is currently unknown. In summary, the available evidence is currently insufficient to determine the role of this variant in disease. Therefore, it has been classified as a Variant of Uncertain Significance.

Fulgent Genetics
Classification: Uncertain significance for Medulloblastoma; Familial dysautonomia. Last evaluated: 2024-03-29. Review status: criteria provided, single submitter. Criteria: ACMG Guidelines, 2015. Collection method: clinical testing. Allele origin: germline.

Counsyl
Classification: Uncertain significance for Familial dysautonomia. Last evaluated: 2017-06-16. Review status: no assertion criteria provided. Collection method: clinical testing. Allele origin: unknown. Not counted in ClinVar's aggregate classification.